The following is an entry in ClinVar:

ClinVar aggregate classification (germline): Uncertain significance (1 of 4 stars; one submission).

Submission:

GeneDx
Classification: Uncertain significance. Last evaluated: 2024-06-10. Review status: criteria provided, single submitter. Criteria: GeneDx Variant Classification Process June 2021. Collection method: clinical testing. Allele origin: germline. Affected: yes.
Comment: Has not been previously published as pathogenic or benign to our knowledge; In silico analysis is inconclusive as to whether the variant alters gene splicing. In the absence of RNA/functional studies, the actual effect of this sequence change is unknown.

NM_001372044.2(SHANK3):c.996-3C>A

Gene: SHANK3 (SH3 and multiple ankyrin repeat domains 3; plus strand). Cytogenetic location: 22q13.33.
Variant type: single nucleotide variant.
Coding change: c.996-3C>A on transcript NM_001372044.2 (MANE Select); 3 bases into the intron before coding-DNA position 996, C replaced by A.
Molecular consequence: intron variant.
Genome position (GRCh38, 1-based): chr22:50,679,309, C>A. VCF-style: chr22-50679309-C-A. GRCh37 (hg19) VCF-style: chr22-51117737-C-A.
Identifiers: ClinVar variation 3390623 (VCV003390623.1).